The following is an entry in ClinVar:

ClinVar aggregate classification (germline): Pathogenic. Review status: criteria provided, multiple submitters, no conflicts (2 of 4 stars). 5 submissions from 5 submitters: Pathogenic (4). 1 of the submissions does not count toward it. Last evaluated 2025-02-04.

Conditions:
HSD3B2-related disorders.
3 beta-Hydroxysteroid dehydrogenase deficiency. Also called: Congenital adrenal hyperplasia due to 3-beta-hydroxysteroid dehydrogenase deficiency; 3-BETA-HSD DEFICIENCY; ADRENAL HYPERPLASIA II; ADRENAL HYPERPLASIA, CONGENITAL, DUE TO 3-BETA-HYDROXYSTEROID DEHYDROGENASE 2 DEFICIENCY; 3b-hydroxysteroid dehydrogenase deficiency. Identifiers: Orphanet 90791, MedGen C0342471, MeSH C538236, MONDO:0008727, OMIM 201810. Disease mechanism: loss of function.

Submissions (5):

Natera, Inc.
Classification: Pathogenic for 3 beta hydroxysteroid dehydrogenase deficiency. Last evaluated: 2025-02-04. Review status: criteria provided, single submitter. Criteria: Natera Variant Classification Schema (03/2026). Collection method: clinical testing. Allele origin: germline.
Comment: The c.558dupC variant in HSD3B2 is a frameshift variant predicted to shift the reading frame beginning at codon 187 and leads to a stop codon 17 codons downstream. This variant is expected to result in nonsense mediated decay, truncation, or a dysfunctional protein product. This variant is rare in the general population with a frequency below the threshold expected for the associated phenotype(s). This variant has been observed in one or more individuals affected with the associated recessive disease, as either homozygous or compound heterozygous with a second variant (PMID: 1363812). Given the available evidence, this variant is classified as Pathogenic.

Blueprint Genetics
Classification: Pathogenic for HSD3B2-related disorders. Last evaluated: 2023-04-03. Review status: criteria provided, single submitter. Criteria: ACMG Guidelines, 2015. Collection method: clinical testing. Allele origin: germline. Affected: yes. Observed: 4 variant alleles.

Labcorp Genetics (formerly Invitae), Labcorp
Classification: Pathogenic. Last evaluated: 2023-03-08. Review status: criteria provided, single submitter. Criteria: Invitae Variant Classification Sherloc (09022015). Collection method: clinical testing. Allele origin: germline.
Comment: This variant is present in population databases (rs770815049, gnomAD 0.0009%). This sequence change creates a premature translational stop signal (p.Thr187Hisfs*17) in the HSD3B2 gene. While this is not anticipated to result in nonsense mediated decay, it is expected to disrupt the last 186 amino acid(s) of the HSD3B2 protein. This premature translational stop signal has been observed in individual(s) with 3-beta-hydroxysteroid dehydrogenase deficiency (PMID: 1363812). In at least one individual the data is consistent with being in trans (on the opposite chromosome) from a pathogenic variant. This variant is also known as 186/insC/187. ClinVar contains an entry for this variant (Variation ID: 12185). This variant disrupts the C-terminal region of the HSD3B2 protein, which has been demonstrated to be critical for enzymatic activity (PMID: 18252794). While functional studies have not been performed to directly test the effect of this variant on HSD3B2 protein function, this suggests that disruption of this region of the protein is causative of disease. For these reasons, this variant has been classified as Pathogenic.

Athena Diagnostics
Classification: Pathogenic. Last evaluated: 2020-10-20. Review status: criteria provided, single submitter. Criteria: Athena Diagnostics criteria. Collection method: clinical testing. Allele origin: unknown.
Comment: This variant is expected to result in the loss of a functional protein. The frequency of this variant in the general population is consistent with pathogenicity. This variant has been identified in at least one individual with clinical features associated with this gene.

OMIM
Classification: Pathogenic for ADRENAL HYPERPLASIA, CONGENITAL, DUE TO 3-BETA-HYDROXYSTEROID DEHYDROGENASE 2 DEFICIENCY. Last evaluated: 1992-07-01. Review status: no assertion criteria provided. Collection method: literature only. Allele origin: germline. Not counted in ClinVar's aggregate classification.

Literature cited by the submitters: PubMed 1363812 (cited by 4 submitters); PubMed 18252794 (cited by Labcorp Genetics (formerly Invitae), Labcorp).

NM_000198.4(HSD3B2):c.558dup (p.Thr187fs)

Gene: HSD3B2 (hydroxy-delta-5-steroid dehydrogenase, 3 beta- and steroid delta-isomerase 2; plus strand). Cytogenetic location: 1p12.
Variant type: Duplication.
Coding change: c.558dup on transcript NM_000198.4 (MANE Select); coding-DNA position 558, one base duplicated (C; older notation c.558dupC).
Protein change: p.Thr187fs; shifts the reading frame from threonine 187.
Molecular consequence: frameshift variant.
Genome position (GRCh38, 1-based): chr1:119,422,059, C duplicated; the last of 3 consecutive C bases (chr1:119,422,057-119,422,059); duplicating any one gives the same sequence. VCF-style (leftmost placement, unchanged base first): chr1-119422056-A-AC. GRCh37 (hg19) VCF-style: chr1-119964679-A-AC.
Other names: c.558dup, p.Thr187fs (NM_001166120.2); short protein forms T187fs.
Identifiers: ClinVar variation 12185 (VCV000012185.12), dbSNP rs770815049, ClinGen allele CA30211538.